The following is an entry in ClinVar:

ClinVar aggregate classification (germline): Uncertain significance. Review status: criteria provided, multiple submitters, no conflicts (2 of 4 stars). 2 submissions from 2 submitters: Uncertain significance (2). Last evaluated 2021-06-08.

Allele frequency attached by ClinVar (database versions not stated): gnomAD exomes below 0.00001; TOPMed 0.00002.
gnomAD v4.1: 3 of 1,613,898 alleles (0.00019%); highest among the groups gnomAD compares: Non-Finnish European, 0.00025%; no homozygotes.

Submissions (2):

Mayo Clinic Laboratories, Mayo Clinic
Classification: Uncertain significance. Last evaluated: 2021-06-08. Review status: criteria provided, single submitter. Criteria: ACMG Guidelines, 2015. Collection method: clinical testing. Allele origin: germline. Observed: 2 variant alleles.
Comment: BP4, PM2_supporting

GeneDx
Classification: Uncertain significance. Last evaluated: 2018-04-10. Review status: criteria provided, single submitter. Criteria: GeneDx Variant Classification (06012015). Collection method: clinical testing. Allele origin: germline. Affected: yes.
Comment: The Q1378R variant in the COL5A2 gene has not been reported as a disease-causing mutation or as a benign polymorphism to our knowledge. The Q1378R variant was not observed in approximately 6,500 individuals of European and African American ancestry in the NHLBI Exome Sequencing Project, indicating it is not a common benign variant in these populations. The Q1378R variant is a non-conservative amino acid substitution as these residues differ in polarity, charge, size and/or other properties and is more likely to impact secondary structure. However, the Q1378 residue is not conserved across species and in silico analysis was inconsistent with regard to the effect this variant may have on the protein structure/function. No mutations in nearby residues have have been reported in association with Ehlers-Danlos syndrome indicating this region of the protein may be tolerant of change. With the clinical and molecular information available at this time, we cannot definitively determine if Q1378R is a disease-causing mutation or a rare benign variant. This variant was found in COL5A2,TAAD.

NM_000393.5(COL5A2):c.4133A>G (p.Gln1378Arg)

Gene: COL5A2 (collagen type V alpha 2 chain; minus strand). Cytogenetic location: 2q32.2.
Variant type: single nucleotide variant.
Coding change: c.4133A>G on transcript NM_000393.5 (MANE Select); coding-DNA position 4133, A replaced by G.
Protein change: p.Gln1378Arg; replaces glutamine 1378 with arginine.
Molecular consequence: missense variant.
Genome position (GRCh38, 1-based): chr2:189,035,136, T>C on the plus strand (A>G on the coding strand, the complement: COL5A2 is on the minus strand). VCF-style: chr2-189035136-T-C. GRCh37 (hg19) VCF-style: chr2-189899862-T-C.
Other names: p.Q1378R:CAA>CGA; short protein forms Q1378R.
Identifiers: ClinVar variation 213126 (VCV000213126.9), dbSNP rs863223498, ClinGen allele CA323561.